The following is an entry in ClinVar:

NM_002225.5(IVD):c.961-1G>A

Gene: IVD (isovaleryl-CoA dehydrogenase; plus strand). Cytogenetic location: 15q15.1.
Variant type: single nucleotide variant.
Coding change: c.961-1G>A on transcript NM_002225.5 (MANE Select); the canonical splice acceptor site of the intron before coding-DNA position 961, G replaced by A.
Molecular consequence: splice acceptor variant.
Genome position (GRCh38, 1-based): chr15:40,416,077, G>A. VCF-style: chr15-40416077-G-A. GRCh37 (hg19) VCF-style: chr15-40708276-G-A.
Other names: c.1048-1G>A (NM_001354600.3, NM_001354599.3); c.961-1G>A (NM_001354598.3, NM_001354601.3); c.913-1G>A (NM_001354597.3); c.871-1G>A (NM_001159508.3).
Identifiers: ClinVar variation 3651896 (VCV003651896.2).
Genomic context (GRCh38, chr15:40,416,077, plus strand): 5'-TGCTTTTGGTAACTGAGAGAGTGTTCCAGCATGTTGACCTGTGACATCCCTTTGTGCCCA[G>A]TTGATGCAGGGGAAGATGGCTGACATGTACACCCGCCTCATGGCGTGTCGGCAGTATGTC-3'

ClinVar aggregate classification (germline): Likely pathogenic (1 of 4 stars; one submission).

Conditions:
Isovaleryl-CoA dehydrogenase deficiency (IVA). Also called: ISOVALERIC ACID CoA DEHYDROGENASE DEFICIENCY; Isovaleric acidemia; IVD DEFICIENCY; Classic Isovaleric Acidemia. Identifiers: Orphanet 33, MedGen C0268575, MONDO:0009475, OMIM 243500.

Submission:

Labcorp Genetics (formerly Invitae), Labcorp
Classification: Likely pathogenic for Isovaleryl-CoA dehydrogenase deficiency. Last evaluated: 2024-05-02. Review status: criteria provided, single submitter. Criteria: Invitae Variant Classification Sherloc (09022015). Collection method: clinical testing. Allele origin: germline.
Comment: This sequence change affects an acceptor splice site in intron 9 of the IVD gene. It is expected to disrupt RNA splicing. Variants that disrupt the donor or acceptor splice site typically lead to a loss of protein function (PMID: 16199547), and loss-of-function variants in IVD are known to be pathogenic (PMID: 16602101). This variant is not present in population databases (gnomAD no frequency). This variant has not been reported in the literature in individuals affected with IVD-related conditions. Algorithms developed to predict the effect of sequence changes on RNA splicing suggest that this variant may disrupt the consensus splice site. In summary, the currently available evidence indicates that the variant is pathogenic, but additional data are needed to prove that conclusively. Therefore, this variant has been classified as Likely Pathogenic.

Literature cited by the submitters: PubMed 16199547; PubMed 16602101.